The following is an entry in ClinVar:

ClinVar aggregate classification (germline): Benign/Likely benign. Review status: criteria provided, multiple submitters, no conflicts (2 of 4 stars). 4 submissions from 4 submitters: Benign (1); Likely benign (3). Last evaluated 2026-04-23.

Conditions:
Colorectal cancer, susceptibility to, 1. Also called: COLORECTAL ADENOMA AND CANCER, SUSCEPTIBILITY TO; COLORECTAL CANCER, SUSCEPTIBILITY TO, ON CHROMOSOME 9. Identifiers: MedGen C1837315, MONDO:0012132, OMIM 608812.

Allele frequency attached by ClinVar (database versions not stated): TOPMed 0.00001; gnomAD 0.00001.

Submissions (4):

Myriad Genetics, Inc.
Classification: Benign for Colorectal cancer, susceptibility to, 1. Last evaluated: 2026-04-23. Review status: criteria provided, single submitter. Criteria: Myriad Autosomal Dominant, Autosomal Recessive and X-Linked Classification Criteria (2023). Collection method: clinical testing. Allele origin: unknown.
Comment: This variant is considered benign. This variant is a silent/synonymous amino acid change and it is not expected to impact splicing.

Labcorp Genetics (formerly Invitae), Labcorp
Classification: Likely benign. Last evaluated: 2025-03-11. Review status: criteria provided, single submitter. Criteria: Invitae Variant Classification Sherloc (09022015). Collection method: clinical testing. Allele origin: germline.

Quest Diagnostics Nichols Institute San Juan Capistrano
Classification: Likely benign. Last evaluated: 2023-06-12. Review status: criteria provided, single submitter. Criteria: Quest Diagnostics criteria. Collection method: clinical testing. Allele origin: unknown.

Ambry Genetics
Classification: Likely benign. Last evaluated: 2018-12-29. Review status: criteria provided, single submitter. Criteria: Ambry Variant Classification Scheme 2023. Collection method: clinical testing. Allele origin: germline.

NM_024642.5(GALNT12):c.277C>T (p.Leu93=)

Gene: GALNT12 (polypeptide N-acetylgalactosaminyltransferase 12; plus strand). Cytogenetic location: 9q22.33.
Variant type: single nucleotide variant.
Coding change: c.277C>T on transcript NM_024642.5 (MANE Select); coding-DNA position 277, C replaced by T.
Protein change: p.Leu93=; no amino-acid change (leucine 93 retained).
Molecular consequence: synonymous variant.
Genome position (GRCh38, 1-based): chr9:98,807,975, C>T. VCF-style: chr9-98807975-C-T. GRCh37 (hg19) VCF-style: chr9-101570257-C-T.
Identifiers: ClinVar variation 703054 (VCV000703054.17), dbSNP rs1231575822, ClinGen allele CA466647541.